The following is an entry in ClinVar:

NM_032856.5(WDR73):c.989A>G (p.His330Arg)

Gene: WDR73 (WD repeat domain 73; minus strand). Cytogenetic location: 15q25.2.
Variant type: single nucleotide variant.
Coding change: c.989A>G on transcript NM_032856.5 (MANE Select); coding-DNA position 989, A replaced by G.
Protein change: p.His330Arg; replaces histidine 330 with arginine.
Molecular consequence: missense variant. On other transcripts: non-coding transcript variant (4).
Genome position (GRCh38, 1-based): chr15:84,643,618, T>C on the plus strand (A>G on the coding strand, the complement: WDR73 is on the minus strand). VCF-style: chr15-84643618-T-C. GRCh37 (hg19) VCF-style: chr15-85186849-T-C.
Other names: short protein forms H330R.
Identifiers: ClinVar variation 2801883 (VCV002801883.1), dbSNP rs2505363325, ClinGen allele CA393351516.

ClinVar aggregate classification (germline): Uncertain significance (1 of 4 stars; one submission).

Allele frequency attached by ClinVar (database versions not stated): gnomAD exomes below 0.00001.

Submission:

Labcorp Genetics (formerly Invitae), Labcorp
Classification: Uncertain significance. Last evaluated: 2023-10-13. Review status: criteria provided, single submitter. Criteria: Invitae Variant Classification Sherloc (09022015). Collection method: clinical testing. Allele origin: germline.
Comment: This sequence change replaces histidine, which is basic and polar, with arginine, which is basic and polar, at codon 330 of the WDR73 protein (p.His330Arg). This variant is not present in population databases (gnomAD no frequency). This variant has not been reported in the literature in individuals affected with WDR73-related conditions. Advanced modeling of protein sequence and biophysical properties (such as structural, functional, and spatial information, amino acid conservation, physicochemical variation, residue mobility, and thermodynamic stability) performed at Invitae indicates that this missense variant is expected to disrupt WDR73 protein function. In summary, the available evidence is currently insufficient to determine the role of this variant in disease. Therefore, it has been classified as a Variant of Uncertain Significance.